The following is an entry in ClinVar:

ClinVar aggregate classification (germline): Pathogenic. Review status: criteria provided, multiple submitters, no conflicts (2 of 4 stars). 2 submissions from 2 submitters: Pathogenic (2). Last evaluated 2025-07-02.

Conditions:
Hereditary cancer-predisposing syndrome. Also called: Tumor predisposition; Neoplastic Syndromes, Hereditary; Hereditary neoplastic syndrome; Hereditary Cancer Syndrome. Identifiers: Orphanet 140162, MedGen C0027672, MeSH D009386, MONDO:0015356.
Hereditary diffuse gastric adenocarcinoma (HDGC). Also called: DIFFUSE GASTRIC AND LOBULAR BREAST CANCER SYNDROME. Identifiers: Orphanet 26106, MedGen C1708349, MONDO:0007648, OMIM 137215.

Submissions (2):

Ambry Genetics
Classification: Pathogenic for Hereditary cancer-predisposing syndrome. Last evaluated: 2025-07-02. Review status: criteria provided, single submitter. Criteria: Ambry Variant Classification Scheme 2023. Collection method: clinical testing. Allele origin: germline.
Comment: The c.555delA pathogenic mutation, located in coding exon 5 of the CDH1 gene, results from a deletion of one nucleotide at nucleotide position 555, causing a translational frameshift with a predicted alternate stop codon (p.G186Afs*29). This alteration was identified in an individual diagnosed with breast cancer (Adib E et al. Br J Cancer, 2022 Mar;126:797-803). This variant is considered to be rare based on population cohorts in the Genome Aggregation Database (gnomAD). This alteration is expected to result in loss of function by premature protein truncation or nonsense-mediated mRNA decay. As such, this alteration is interpreted as a disease-causing mutation.

Labcorp Genetics (formerly Invitae), Labcorp
Classification: Pathogenic for Hereditary diffuse gastric adenocarcinoma. Last evaluated: 2020-02-24. Review status: criteria provided, single submitter. Criteria: Invitae Variant Classification Sherloc (09022015). Collection method: clinical testing. Allele origin: germline.
Comment: This variant is not present in population databases (ExAC no frequency). This sequence change creates a premature translational stop signal (p.Gly186Alafs*29) in the CDH1 gene. It is expected to result in an absent or disrupted protein product. This variant has not been reported in the literature in individuals with CDH1-related conditions. For these reasons, this variant has been classified as Pathogenic. Loss-of-function variants in CDH1 are known to be pathogenic (PMID: 15235021, 20373070).

Literature cited by the submitters: PubMed 34949788 (cited by Ambry Genetics); PubMed 15235021 (cited by Labcorp Genetics (formerly Invitae), Labcorp); PubMed 20373070 (cited by Labcorp Genetics (formerly Invitae), Labcorp).

NM_004360.5(CDH1):c.555del (p.Gly186fs)

Gene: CDH1 (cadherin 1; plus strand). Cytogenetic location: 16q22.1.
Variant type: Deletion.
Coding change: c.555del on transcript NM_004360.5 (MANE Select); coding-DNA position 555, one base deleted (A; older notation c.555delA).
Protein change: p.Gly186fs; shifts the reading frame from glycine 186.
Molecular consequence: frameshift variant. On other transcripts: 5 prime UTR variant (2).
Genome position (GRCh38, 1-based): chr16:68,808,716, A deleted; the last of 2 consecutive A bases (chr16:68,808,715-68,808,716); deleting either gives the same sequence. VCF-style (leftmost placement, unchanged base first): chr16-68808714-GA-G. GRCh37 (hg19) VCF-style: chr16-68842617-GA-G.
Other names: c.555del, p.Gly186fs (NM_001317184.2); c.-1061del (NM_001317185.2); c.-1265del (NM_001317186.2); c.555delA (NM_004360.3); short protein forms G186fs.
Identifiers: ClinVar variation 1072150 (VCV001072150.9), dbSNP rs2152130081, ClinGen allele CA2499223644.